The following is an entry in ClinVar:

NM_001378615.1(CC2D2A):c.541-1G>A

Genes: CC2D2A (coiled-coil and C2 domain containing 2A; plus strand), FBXL5 (F-box and leucine rich repeat protein 5; minus strand). Cytogenetic location: 4p15.32.
Variant type: single nucleotide variant.
Coding change: c.541-1G>A on transcript NM_001378615.1 (MANE Select); the canonical splice acceptor site of the intron before coding-DNA position 541, G replaced by A.
Molecular consequence: splice acceptor variant.
Genome position (GRCh38, 1-based): chr4:15,511,246, G>A. VCF-style: chr4-15511246-G-A. GRCh37 (hg19) VCF-style: chr4-15512869-G-A.
Other names: c.541-1G>A (NM_001080522.2); c.394-1G>A (NM_001378617.1).
Identifiers: ClinVar variation 844616 (VCV000844616.10), dbSNP rs1716552711, ClinGen allele CA356408712.

ClinVar aggregate classification (germline): Pathogenic (1 of 4 stars; one submission).

Conditions:
Meckel-Gruber syndrome. Also called: Dysencephalia splachnocystica; DYSENCEPHALIA SPLANCHNOCYSTICA; GRUBER SYNDROME. Identifiers: Orphanet 564, MedGen C0265215, MONDO:0018921.
Joubert syndrome. Also called: JOUBERT-BOLTSHAUSER SYNDROME; Familial aplasia of the vermis. Identifiers: Orphanet 475, MedGen C5979921, MONDO:0018772.

Allele frequency attached by ClinVar (database versions not stated): gnomAD exomes below 0.00001.
gnomAD v4.1: 1 of 1,595,118 alleles (0.000063%); highest among the groups gnomAD compares: Non-Finnish European, 0.000085%; no homozygotes.

Submission:

Labcorp Genetics (formerly Invitae), Labcorp
Classification: Pathogenic for Joubert syndrome; Meckel-Gruber syndrome. Last evaluated: 2023-06-24. Review status: criteria provided, single submitter. Criteria: Invitae Variant Classification Sherloc (09022015). Collection method: clinical testing. Allele origin: germline.
Comment: For these reasons, this variant has been classified as Pathogenic. Algorithms developed to predict the effect of sequence changes on RNA splicing suggest that this variant may disrupt the consensus splice site. ClinVar contains an entry for this variant (Variation ID: 844616). Disruption of this splice site has been observed in individual(s) with clinical features of Joubert syndrome and related disorders (Invitae). This variant is not present in population databases (gnomAD no frequency). This sequence change affects an acceptor splice site in intron 8 of the CC2D2A gene. It is expected to disrupt RNA splicing. Variants that disrupt the donor or acceptor splice site typically lead to a loss of protein function (PMID: 16199547), and loss-of-function variants in CC2D2A are known to be pathogenic (PMID: 19777577).

Literature cited by the submitters: PubMed 16199547; PubMed 19777577.